The following is an entry in ClinVar:

ClinVar aggregate classification (germline): Likely benign (1 of 4 stars; one submission).

Submission:

CeGaT Center for Human Genetics Tuebingen
Classification: Likely benign. Last evaluated: 2026-02-01. Review status: criteria provided, single submitter. Criteria: CeGaT Center For Human Genetics Tuebingen Variant Classification Criteria Version 2. Collection method: clinical testing. Allele origin: germline. Affected: yes. Observed: 1 variant allele.
Comment: OGFR: BP4, BP7

NM_007346.4(OGFR):c.1674A>G (p.Pro558=)

Gene: OGFR (opioid growth factor receptor; plus strand). Cytogenetic location: 20q13.33.
Variant type: single nucleotide variant.
Coding change: c.1674A>G on transcript NM_007346.4 (MANE Select); coding-DNA position 1674, A replaced by G.
Protein change: p.Pro558=; no amino-acid change (proline 558 retained).
Molecular consequence: synonymous variant.
Genome position (GRCh38, 1-based): chr20:62,813,289, A>G. VCF-style: chr20-62813289-A-G. GRCh37 (hg19) VCF-style: chr20-61444641-A-G.
Identifiers: ClinVar variation 4821254 (VCV004821254.4).